The following is an entry in ClinVar:

NM_021008.4(DEAF1):c.1594-3C>T

Gene: DEAF1 (DEAF1 transcription factor; minus strand). Cytogenetic location: 11p15.5.
Variant type: single nucleotide variant.
Coding change: c.1594-3C>T on transcript NM_021008.4 (MANE Select); 3 bases into the intron before coding-DNA position 1594, C replaced by T.
Molecular consequence: intron variant.
Genome position (GRCh38, 1-based): chr11:644,657, G>A on the plus strand (C>T on the coding strand, the complement: DEAF1 is on the minus strand). VCF-style: chr11-644657-G-A. GRCh37 (hg19) VCF-style: chr11-644657-G-A.
Other names: c.868-3C>T (NM_001367390.1, NM_001440885.1, NM_001440887.1 and 1 more transcripts); c.1369-3C>T (NM_001293634.2); c.1465-3C>T (NM_001440884.1); c.1504-3C>T (NM_001440883.1).
Identifiers: ClinVar variation 2827821 (VCV002827821.3), dbSNP rs1473101150, ClinGen allele CA596790620.

ClinVar aggregate classification (germline): Uncertain significance (1 of 4 stars; one submission).

Allele frequency attached by ClinVar (database versions not stated): gnomAD exomes below 0.00001.
gnomAD v4.1: 3 of 1,605,204 alleles (0.00019%); highest among the groups gnomAD compares: Non-Finnish European, 0.00025%; no homozygotes.

Submission:

Labcorp Genetics (formerly Invitae), Labcorp
Classification: Uncertain significance. Last evaluated: 2023-10-03. Review status: criteria provided, single submitter. Criteria: Invitae Variant Classification Sherloc (09022015). Collection method: clinical testing. Allele origin: germline.
Comment: This sequence change falls in intron 11 of the DEAF1 gene. It does not directly change the encoded amino acid sequence of the DEAF1 protein. It affects a nucleotide within the consensus splice site. The frequency data for this variant in the population databases is considered unreliable, as metrics indicate poor data quality at this position in the gnomAD database. This variant has not been reported in the literature in individuals affected with DEAF1-related conditions. Variants that disrupt the consensus splice site are a relatively common cause of aberrant splicing (PMID: 17576681, 9536098). Algorithms developed to predict the effect of sequence changes on RNA splicing suggest that this variant is not likely to affect RNA splicing. In summary, the available evidence is currently insufficient to determine the role of this variant in disease. Therefore, it has been classified as a Variant of Uncertain Significance.

Literature cited by the submitters: PubMed 17576681; PubMed 9536098.